The following is an entry in ClinVar:

ClinVar aggregate classification (germline): Benign (1 of 4 stars; one submission).

Conditions:
Capillary malformation-arteriovenous malformation 1 (CMAVM1). Identifiers: Orphanet 137667, Orphanet 693907, MedGen C4747394, MONDO:0020783, OMIM 608354.

Allele frequency attached by ClinVar (database versions not stated): gnomAD exomes 0.00008; gnomAD 0.00048 and 0.00044; 1000 Genomes Project 30x 0.00062; TOPMed 0.00041; 1000 Genomes Project 0.00040.
gnomAD v4.1: 75 of 230,454 alleles (0.033%); highest among the groups gnomAD compares: African/African-American, 0.15%; no homozygotes.

Submission:

Illumina Laboratory Services, Illumina
Classification: Benign for Capillary malformation-arteriovenous malformation 1. Last evaluated: 2018-01-13. Review status: criteria provided, single submitter. Criteria: ICSL Variant Classification Criteria 13 December 2019. Collection method: clinical testing. Allele origin: germline.
Comment: This variant was observed in the ICSL laboratory as part of a predisposition screen in an ostensibly healthy population. It had not been previously curated by ICSL or reported in the Human Gene Mutation Database (HGMD: prior to June 1st, 2018), and was therefore a candidate for classification through an automated scoring system. Utilizing variant allele frequency, disease prevalence and penetrance estimates, and inheritance mode, an automated score was calculated to assess if this variant is too frequent to cause the disease. Based on the score and internal cut-off values, a variant classified as benign is not then subjected to further curation. The score for this variant resulted in a classification of benign for this disease.

NM_002890.3(RASA1):c.*1001T>C

Genes: CCNH (cyclin H; minus strand), RASA1 (RAS p21 protein activator 1; plus strand). Cytogenetic location: 5q14.3.
Variant type: single nucleotide variant.
Coding change: c.*1001T>C on transcript NM_002890.3 (MANE Select); 1001 bases downstream of the stop codon, T replaced by C.
Molecular consequence: 3 prime UTR variant. On other transcripts: non-coding transcript variant (1), intron variant (1).
Genome position (GRCh38, 1-based): chr5:87,391,884, T>C. VCF-style: chr5-87391884-T-C. GRCh37 (hg19) VCF-style: chr5-86687701-T-C.
Other names: c.*1001T>C (NM_022650.3); c.*976A>G (NM_001363539.2, NM_001364076.2); c.933+3160A>G (NM_001364075.2).
Identifiers: ClinVar variation 908025 (VCV000908025.6), dbSNP rs536593719, ClinGen allele CA121824260.